The following is an entry in ClinVar:

ClinVar aggregate classification (germline): Likely pathogenic (1 of 4 stars; one submission).

Submission:

GeneDx
Classification: Likely pathogenic. Last evaluated: 2022-03-07. Review status: criteria provided, single submitter. Criteria: GeneDx Variant Classification Process June 2021. Collection method: clinical testing. Allele origin: germline. Affected: yes.
Comment: Published functional studies demonstrate a damaging negative effect on channel function (Macmullen et al., 2011); This variant is associated with the following publications: (PMID: 25525159, 20685672, 30193751, 24814349, 21536946)

NM_000352.6(ABCC8):c.2147G>A (p.Gly716Asp)

Gene: ABCC8 (ATP binding cassette subfamily C member 8; minus strand). Cytogenetic location: 11p15.1.
Variant type: single nucleotide variant.
Coding change: c.2147G>A on transcript NM_000352.6 (MANE Select); coding-DNA position 2147, G replaced by A.
Protein change: p.Gly716Asp; replaces glycine 716 with aspartic acid.
Molecular consequence: missense variant. On other transcripts: non-coding transcript variant (1).
Genome position (GRCh38, 1-based): chr11:17,427,124, C>T on the plus strand (G>A on the coding strand, the complement: ABCC8 is on the minus strand). VCF-style: chr11-17427124-C-T. GRCh37 (hg19) VCF-style: chr11-17448671-C-T.
Other names: c.2147G>A, p.Gly716Asp (NM_001287174.3); c.2213G>A, p.Gly738Asp (NM_001351295.2); c.2144G>A, p.Gly715Asp (NM_001351296.2, NM_001351297.2); short protein forms G715D, G716D, G738D.
Identifiers: ClinVar variation 1702802 (VCV001702802.2), dbSNP rs72559723, ClinGen allele CA379813706.